The following is an entry in ClinVar:

NM_021096.4(CACNA1I):c.6488G>C (p.Gly2163Ala)

Gene: CACNA1I (calcium voltage-gated channel subunit alpha1 I; plus strand). Cytogenetic location: 22q13.1.
Variant type: single nucleotide variant.
Coding change: c.6488G>C on transcript NM_021096.4 (MANE Select); coding-DNA position 6488, G replaced by C.
Protein change: p.Gly2163Ala; replaces glycine 2163 with alanine.
Molecular consequence: missense variant.
Genome position (GRCh38, 1-based): chr22:39,686,221, G>C. VCF-style: chr22-39686221-G-C. GRCh37 (hg19) VCF-style: chr22-40082226-G-C.
Other names: c.6383G>C, p.Gly2128Ala (NM_001003406.2); short protein forms G2128A, G2163A.
Identifiers: ClinVar variation 2635963 (VCV002635963.1), dbSNP rs1409099643, ClinGen allele CA411649033.
Genomic context (GRCh38, chr22:39,686,221, plus strand): 5'-CAGCCCCCGGCCTCACGCCCGCCAGGAAGTTCAGCAGCACCAGCAGCCTGGCCGCCCCCG[G>C]CCGCCCCCACGCCGCCGCCCTGGCCCACGGCCTGGCCCGGAGCCCCTCGTGGGCCGCGGA-3'
Protein context (NP_066919.2, residues 2153-2173): FSSTSSLAAP[Gly2163Ala]RPHAAALAHG

ClinVar aggregate classification (germline): Uncertain significance (1 of 4 stars; one submission).

Conditions:
CACNA1I-related disorder. Also called: CACNA1I-related condition.

Allele frequency attached by ClinVar (database versions not stated): gnomAD 0.00001; gnomAD exomes 0.00001; TOPMed 0.00002.
gnomAD v4.1: 11 of 1,245,676 alleles (0.00088%); highest among the groups gnomAD compares: Admixed American, 0.0082%; no homozygotes.

Submission:

PreventionGenetics, part of Exact Sciences
Classification: Uncertain significance for CACNA1I-related condition. Last evaluated: 2022-12-15. Review status: criteria provided, single submitter. Criteria: ACMG Guidelines, 2015. Collection method: clinical testing. Allele origin: germline.
Comment: The CACNA1I c.6488G>C variant is predicted to result in the amino acid substitution p.Gly2163Ala. To our knowledge, this variant has not been reported in the literature or in a large population database, indicating this variant is rare. At this time, the clinical significance of this variant is uncertain due to the absence of conclusive functional and genetic evidence.